The following is an entry in ClinVar:

NM_001931.5(DLAT):c.654C>T (p.His218=)

Gene: DLAT (dihydrolipoamide S-acetyltransferase; plus strand). Cytogenetic location: 11q23.1.
Variant type: single nucleotide variant.
Coding change: c.654C>T on transcript NM_001931.5 (MANE Select); coding-DNA position 654, C replaced by T.
Protein change: p.His218=; no amino-acid change (histidine 218 retained).
Molecular consequence: synonymous variant. On other transcripts: non-coding transcript variant (1), intron variant (2).
Genome position (GRCh38, 1-based): chr11:112,028,939, C>T. VCF-style: chr11-112028939-C-T. GRCh37 (hg19) VCF-style: chr11-111899663-C-T.
Other names: c.654C>T, p.His218= (NM_001372031.1, NM_001372032.1, NM_001372033.1 and 3 more transcripts); c.621C>T, p.His207= (NM_001372034.1); c.528C>T, p.His176= (NM_001372036.1); c.486C>T, p.His162= (NM_001372037.1); c.192C>T, p.His64= (NM_001372042.1); c.381+2640C>T (NM_001372038.1); c.364+2657C>T (NM_001372040.1).
Identifiers: ClinVar variation 756267 (VCV000756267.31), dbSNP rs1472423442, ClinGen allele CA476787248.
Genomic context (GRCh38, chr11:112,028,939, plus strand): 5'-TGCCACTGCTTCGCCACCTACACCTTCTGCTCAGGCTCCTGGTAGCTCATATCCCCCTCA[C>T]ATGCAGGTGAGGCTCAGCCTCTGAGTTTTTGCTCTAGGTGATTACTTACTTACTCACTTT-3'
Protein context (NP_001922.2, residues 208-228): AQAPGSSYPP[His218=]MQVLLPALSP

ClinVar aggregate classification (germline): Likely benign. Review status: criteria provided, multiple submitters, no conflicts (2 of 4 stars). 2 submissions from 2 submitters: Likely benign (2). Last evaluated 2023-09-01.

Conditions:
Pyruvate dehydrogenase E2 deficiency (PDHDD). Also called: LACTIC ACIDEMIA DUE TO DEFECT OF E2 LIPOYL TRANSACETYLASE OF THE PYRUVATE DEHYDROGENASE COMPLEX; Dihydrolipoamide Acetyltransferase (E2) Deficiency. Identifiers: Orphanet 765, Orphanet 79244, MedGen C1855565, MONDO:0009502, OMIM 245348.

Allele frequency attached by ClinVar (database versions not stated): TOPMed below 0.00001; gnomAD exomes 0.00001.
gnomAD v4.1: 3 of 1,614,138 alleles (0.00019%); highest among the groups gnomAD compares: Non-Finnish European, 0.00025%; no homozygotes.

Submissions (2):

CeGaT Center for Human Genetics Tuebingen
Classification: Likely benign. Last evaluated: 2023-09-01. Review status: criteria provided, single submitter. Criteria: CeGaT Center For Human Genetics Tuebingen Variant Classification Criteria Version 2. Collection method: clinical testing. Allele origin: germline. Affected: yes. Observed: 1 variant allele.
Comment: DLAT: BP4, BP7

Labcorp Genetics (formerly Invitae), Labcorp
Classification: Likely benign for Pyruvate dehydrogenase E2 deficiency. Last evaluated: 2022-09-13. Review status: criteria provided, single submitter. Criteria: Invitae Variant Classification Sherloc (09022015). Collection method: clinical testing. Allele origin: germline.